The following is an entry in ClinVar:

NM_031935.3(HMCN1):c.9970C>T (p.Pro3324Ser)

Gene: HMCN1 (hemicentin 1; plus strand). Cytogenetic location: 1q31.1.
Variant type: single nucleotide variant.
Coding change: c.9970C>T on transcript NM_031935.3 (MANE Select); coding-DNA position 9970, C replaced by T.
Protein change: p.Pro3324Ser; replaces proline 3324 with serine.
Molecular consequence: missense variant.
Genome position (GRCh38, 1-based): chr1:186,093,216, C>T. VCF-style: chr1-186093216-C-T. GRCh37 (hg19) VCF-style: chr1-186062348-C-T.
Other names: c.9970C>T (NM_031935.2); short protein forms P3324S.
Identifiers: ClinVar variation 2158191 (VCV002158191.5), dbSNP rs752518224, ClinGen allele CA1293599.
Genomic context (GRCh38, chr1:186,093,216, plus strand): 5'-TTAAACATTTATGGAGCTCTTACATCTGACACGGGGAAATACACATGTGTTGCTACTAAT[C>T]CCGCTGGAGAAGAAGACCGAATTTTTAACTTGAATGTCTATGGTAAATATGAAATATCCC-3'
Protein context (NP_114141.2, residues 3314-3334): TGKYTCVATN[Pro3324Ser]AGEEDRIFNL

ClinVar aggregate classification (germline): Uncertain significance. Review status: criteria provided, multiple submitters, no conflicts (2 of 4 stars). 2 submissions from 2 submitters: Uncertain significance (2). Last evaluated 2024-07-27.

Allele frequency attached by ClinVar (database versions not stated): gnomAD 0.00003; ExAC 0.00007.
gnomAD v4.1: 43 of 1,613,164 alleles (0.0027%); highest among the groups gnomAD compares: South Asian, 0.04%; 1 homozygote.

Submissions (2):

Ambry Genetics
Classification: Uncertain significance. Last evaluated: 2024-07-27. Review status: criteria provided, single submitter. Criteria: Ambry Variant Classification Scheme 2023. Collection method: clinical testing. Allele origin: germline.

Labcorp Genetics (formerly Invitae), Labcorp
Classification: Uncertain significance. Last evaluated: 2022-06-14. Review status: criteria provided, single submitter. Criteria: Invitae Variant Classification Sherloc (09022015). Collection method: clinical testing. Allele origin: germline.
Comment: This variant is present in population databases (rs752518224, gnomAD 0.04%), and has an allele count higher than expected for a pathogenic variant. This sequence change replaces proline, which is neutral and non-polar, with serine, which is neutral and polar, at codon 3324 of the HMCN1 protein (p.Pro3324Ser). This variant has not been reported in the literature in individuals affected with HMCN1-related conditions. In summary, the available evidence is currently insufficient to determine the role of this variant in disease. Therefore, it has been classified as a Variant of Uncertain Significance. Algorithms developed to predict the effect of missense changes on protein structure and function output the following: SIFT: "Tolerated"; PolyPhen-2: "Benign"; Align-GVGD: "Class C0". The serine amino acid residue is found in multiple mammalian species, which suggests that this missense change does not adversely affect protein function.